The following is an entry in ClinVar:

NM_181672.3(OGT):c.1663C>T (p.Arg555Trp)

Gene: OGT (O-linked N-acetylglucosamine (GlcNAc) transferase; plus strand). Cytogenetic location: Xq13.1.
Variant type: single nucleotide variant.
Coding change: c.1663C>T on transcript NM_181672.3 (MANE Select); coding-DNA position 1663, C replaced by T.
Protein change: p.Arg555Trp; replaces arginine 555 with tryptophan.
Molecular consequence: missense variant.
Genome position (GRCh38, 1-based): chrX:71,559,327, C>T. VCF-style: chrX-71559327-C-T. GRCh37 (hg19) VCF-style: chrX-70779177-C-T.
Other names: c.1633C>T, p.Arg545Trp (NM_181673.3); short protein forms R545W, R555W.
Identifiers: ClinVar variation 2632277 (VCV002632277.2), dbSNP rs776506519, ClinGen allele CA10447683.

ClinVar aggregate classification (germline): Uncertain significance. Review status: criteria provided, multiple submitters, no conflicts (2 of 4 stars). 2 submissions from 2 submitters: Uncertain significance (2). Last evaluated 2025-02-26.

Conditions:
OGT-related disorder. Also called: OGT-related condition.
Inborn genetic diseases. Identifiers: MedGen C0950123, MeSH D030342.

Allele frequency attached by ClinVar (database versions not stated): ExAC 0.00001.

Submissions (2):

Ambry Genetics
Classification: Uncertain significance for Inborn genetic diseases. Last evaluated: 2025-02-26. Review status: criteria provided, single submitter. Criteria: Ambry Variant Classification Scheme 2023. Collection method: clinical testing. Allele origin: germline.

PreventionGenetics, part of Exact Sciences
Classification: Uncertain significance for OGT-related condition. Last evaluated: 2023-06-14. Review status: criteria provided, single submitter. Criteria: ACMG Guidelines, 2015. Collection method: clinical testing. Allele origin: germline.
Comment: The OGT c.1663C>T variant is predicted to result in the amino acid substitution p.Arg555Trp. To our knowledge, this variant has not been reported in the literature or in a large population database, indicating this variant is rare. At this time, the clinical significance of this variant is uncertain due to the absence of conclusive functional and genetic evidence.